The following is an entry in ClinVar:

ClinVar aggregate classification (germline): Conflicting classifications of pathogenicity. Review status: criteria provided, conflicting classifications (1 of 4 stars). 2 submissions from 2 submitters: Likely pathogenic (1); Uncertain significance (1). Last evaluated 2023-10-01.

Conditions:
Retinal dystrophy. Also called: Inherited retinal dystrophy. Identifiers: Orphanet 71862, MedGen C0854723, MeSH D058499, MONDO:0019118, HP:0000556.

Submissions (2):

Dept Of Ophthalmology, Nagoya University
Classification: Uncertain significance for Retinal dystrophy. Last evaluated: 2023-10-01. Review status: criteria provided, single submitter. Criteria: Submitter's publication. Collection method: research. Allele origin: germline. Affected: yes.

Labcorp Genetics (formerly Invitae), Labcorp
Classification: Likely pathogenic. Last evaluated: 2022-06-13. Review status: criteria provided, single submitter. Criteria: Invitae Variant Classification Sherloc (09022015). Collection method: clinical testing. Allele origin: germline.
Comment: This variant is not present in population databases (gnomAD no frequency). In summary, the currently available evidence indicates that the variant is pathogenic, but additional data are needed to prove that conclusively. Therefore, this variant has been classified as Likely Pathogenic. Experimental studies have shown that this missense change affects RP2 function (PMID: 28209709). Algorithms developed to predict the effect of missense changes on protein structure and function (SIFT, PolyPhen-2, Align-GVGD) all suggest that this variant is likely to be disruptive. This missense change has been observed in individuals with clinical features of retinitis pigmentosa (PMID: 11992260; Invitae). It has also been observed to segregate with disease in related individuals. This sequence change replaces cysteine, which is neutral and slightly polar, with tyrosine, which is neutral and polar, at codon 67 of the RP2 protein (p.Cys67Tyr).

Literature cited by the submitters: PubMed 28209709 (cited by Labcorp Genetics (formerly Invitae), Labcorp); PubMed 11992260 (cited by Labcorp Genetics (formerly Invitae), Labcorp).

NM_006915.3(RP2):c.200G>A (p.Cys67Tyr)

Gene: RP2 (RP2 activator of ARL3 GTPase; plus strand). Cytogenetic location: Xp11.3.
Variant type: single nucleotide variant.
Coding change: c.200G>A on transcript NM_006915.3 (MANE Select); coding-DNA position 200, G replaced by A.
Protein change: p.Cys67Tyr; replaces cysteine 67 with tyrosine.
Molecular consequence: missense variant.
Genome position (GRCh38, 1-based): chrX:46,853,573, G>A. VCF-style: chrX-46853573-G-A. GRCh37 (hg19) VCF-style: chrX-46713008-G-A.
Other names: short protein forms C67Y.
Identifiers: ClinVar variation 1505359 (VCV001505359.7), dbSNP rs2147081192, ClinGen allele CA413038999.